The following is an entry in ClinVar:

ClinVar aggregate classification (germline): Uncertain significance (1 of 4 stars; one submission).

Conditions:
Inborn genetic diseases. Identifiers: MedGen C0950123, MeSH D030342.

Submission:

Ambry Genetics
Classification: Uncertain significance for Inborn genetic diseases. Last evaluated: 2025-09-18. Review status: criteria provided, single submitter. Criteria: Ambry Variant Classification Scheme 2023. Collection method: clinical testing. Allele origin: germline.
Comment: The c.1360G>C (p.V454L) alteration is located in exon 1 (coding exon 1) of the KCNA6 gene. This alteration results from a G to C substitution at nucleotide position 1360, causing the valine (V) at amino acid position 454 to be replaced by a leucine (L). This variant was not reported in population-based cohorts in the Genome Aggregation Database (gnomAD). This amino acid position is highly conserved in available vertebrate species. This missense alteration is located in a region that has a low rate of benign missense variation (Lek, 2016; Firth, 2009). This alteration is predicted to be deleterious by in silico analysis. Based on insufficient or conflicting evidence, the clinical significance of this alteration remains unclear.

NM_002235.5(KCNA6):c.1360G>C (p.Val454Leu)

Genes: KCNA6 (potassium voltage-gated channel subfamily A member 6; plus strand), KCNA6-AS1 (KCNA6 antisense RNA 1; minus strand). Cytogenetic location: 12p13.32.
Variant type: single nucleotide variant.
Coding change: c.1360G>C on transcript NM_002235.5 (MANE Select); coding-DNA position 1360, G replaced by C.
Protein change: p.Val454Leu; replaces valine 454 with leucine.
Molecular consequence: missense variant. On other transcripts: non-coding transcript variant (3).
Genome position (GRCh38, 1-based): chr12:4,811,401, G>C. VCF-style: chr12-4811401-G-C. GRCh37 (hg19) VCF-style: chr12-4920567-G-C.
Other names: short protein forms V454L.
Identifiers: ClinVar variation 4090096 (VCV004090096.2).